The following is an entry in ClinVar:

NM_201525.4(ADGRG1):c.944_945dup (p.Val316fs)

Gene: ADGRG1 (adhesion G protein-coupled receptor G1; plus strand). Cytogenetic location: 16q21.
Variant type: Duplication.
Coding change: c.944_945dup on transcript NM_201525.4 (MANE Select); coding-DNA positions 944 to 945, 2 bases duplicated (TT; older notation c.944_945dupTT).
Protein change: p.Val316fs; shifts the reading frame from valine 316.
Molecular consequence: frameshift variant.
Genome position (GRCh38, 1-based): chr16:57,655,919-57,655,920, TT duplicated. VCF-style (leftmost placement, unchanged base first): chr16-57655918-A-ATT. GRCh37 (hg19) VCF-style: chr16-57689830-A-ATT.
Other names: c.944_945dupTT (NM_005682.5); c.944_945dup, p.Val316fs (NM_001145770.3, NM_001145771.3, NM_001145772.3 and 16 more transcripts); c.959_960dup, p.Val321fs (NM_001145773.3, NM_001370433.1); c.434_435dup, p.Val146fs (NM_001290142.2); c.419_420dup, p.Val141fs (NM_001290143.2, NM_001290144.2, NM_001370451.1 and 2 more transcripts); c.788_789dup, p.Val264fs (NM_001370442.1); short protein forms V141fs, V264fs, V146fs, V321fs, V316fs.
Identifiers: ClinVar variation 211096 (VCV000211096.12), dbSNP rs797045602, ClinGen allele CA277192.
Genomic context (GRCh38, chr16:57,655,918, plus strand): 5'-CCAACCCCATGTATCTAGGACAAGAATTCCAGCCAAGTCCTGGGTGAGAAGGTCTTGGGG[A>ATT]TTGTGGTACAGAACACCAAAGTAGCCAACCTCACGGAGCCCGTGGTGCTCACTTTCCAGC-3'

ClinVar aggregate classification (germline): Pathogenic. Review status: criteria provided, multiple submitters, no conflicts (2 of 4 stars). 3 submissions from 3 submitters: Pathogenic (3). Last evaluated 2020-08-27.

Conditions:
Bilateral frontoparietal polymicrogyria. Also called: CORTICAL DYSPLASIA, COMPLEX, WITH OTHER BRAIN MALFORMATIONS 14A (BILATERAL FRONTOPARIETAL); CEREBELLAR ATAXIA WITH NEURONAL MIGRATION DEFECT. Identifiers: Orphanet 101070, MedGen C1847352, MONDO:0011738, OMIM 606854.

Allele frequency attached by ClinVar (database versions not stated): gnomAD exomes below 0.00001; TOPMed below 0.00001.

Submissions (3):

Labcorp Genetics (formerly Invitae), Labcorp
Classification: Pathogenic. Last evaluated: 2020-08-27. Review status: criteria provided, single submitter. Criteria: Invitae Variant Classification Sherloc (09022015). Collection method: clinical testing. Allele origin: germline.
Comment: Loss-of-function variants in ADGRG1 are known to be pathogenic (PMID: 15044805, 20929962). This variant has not been reported in the literature in individuals with ADGRG1-related conditions. ClinVar contains an entry for this variant (Variation ID: 211096). This variant is not present in population databases (ExAC no frequency). This sequence change creates a premature translational stop signal (p.Val316Leufs*8) in the ADGRG1 gene. It is expected to result in an absent or disrupted protein product. For these reasons, this variant has been classified as Pathogenic.

GeneDx
Classification: Pathogenic. Last evaluated: 2016-01-20. Review status: criteria provided, single submitter. Criteria: GeneDx Variant Classification (06012015). Collection method: clinical testing. Allele origin: germline. Affected: yes.
Comment: The c.944_945dupTT pathogenic variant in the GPR56 gene has not been reported previously as a pathogenic variant nor as a benign variant, to our knowledge. The c.944_945dupTT variant causes a frameshift starting with codon Valine 316, changes this amino acid to a Leucine residue, and creates a premature Stop codon at position 8 of the new reading frame, denoted p.Val316LeufsX8. This variant is predicted to cause loss of normal protein function either through protein truncation or nonsense-mediated mRNA decay. The c.944_945dupTT variant was not observed in approximately 6500 individuals of European and African American ancestry in the NHLBI Exome Sequencing Project, indicating it is not a common benign variant in these populations. We interpret c.944_945dupTT as a pathogenic variant.

Genetic Services Laboratory, University of Chicago
Classification: Pathogenic for Polymicrogyria, bilateral frontoparietal. Last evaluated: 2013-02-08. Review status: criteria provided, single submitter. Criteria: ACMG Guidelines, 2007. Collection method: clinical testing. Allele origin: germline. Affected: yes.

Literature cited by the submitters: PubMed 15044805 (cited by Labcorp Genetics (formerly Invitae), Labcorp); PubMed 20929962 (cited by Labcorp Genetics (formerly Invitae), Labcorp).